The following is an entry in ClinVar:

NM_173602.3(DIP2B):c.2993G>A (p.Arg998Gln)

Gene: DIP2B (disco interacting protein 2 homolog B; plus strand). Cytogenetic location: 12q13.12.
Variant type: single nucleotide variant.
Coding change: c.2993G>A on transcript NM_173602.3 (MANE Select); coding-DNA position 2993, G replaced by A.
Protein change: p.Arg998Gln; replaces arginine 998 with glutamine.
Molecular consequence: missense variant.
Genome position (GRCh38, 1-based): chr12:50,718,986, G>A. VCF-style: chr12-50718986-G-A. GRCh37 (hg19) VCF-style: chr12-51112769-G-A.
Other names: short protein forms R998Q.
Identifiers: ClinVar variation 3896505 (VCV003896505.2).

ClinVar aggregate classification (germline): Uncertain significance (1 of 4 stars; one submission).

Submission:

Women's Health and Genetics/Laboratory Corporation of America, LabCorp
Classification: Uncertain significance. Last evaluated: 2025-04-03. Review status: criteria provided, single submitter. Criteria: LabCorp Variant Classification Summary - May 2015. Collection method: clinical testing. Allele origin: germline.
Comment: Variant summary: DIP2B c.2993G>A (p.Arg998Gln) results in a conservative amino acid change in the encoded protein sequence. Three of five in-silico tools predict a damaging effect of the variant on protein function. The variant allele was found at a frequency of 4e-06 in 251262 control chromosomes. The available data on variant occurrences in the general population are insufficient to allow any conclusion about variant significance. To our knowledge, no occurrence of c.2993G>A in individuals affected with Intellectual Disability, FRA12A Type and no experimental evidence demonstrating its impact on protein function have been reported. No submitters have cited clinical-significance assessments for this variant to ClinVar. Based on the evidence outlined above, the variant was classified as uncertain significance.